The following is an entry in ClinVar:

ClinVar aggregate classification (germline): Uncertain significance (1 of 4 stars; one submission).

Conditions:
Epilepsy, childhood absence, susceptibility to, 5. Identifiers: Orphanet 64280, MedGen C2677087, MONDO:0012843, OMIM 612269.
Epilepsy, childhood absence, susceptibility to, 1. Also called: Epilepsy, childhood absence 1. Identifiers: Orphanet 64280, MedGen C1838604, MONDO:0020759, OMIM 600131.

Allele frequency attached by ClinVar (database versions not stated): TOPMed below 0.00001; ExAC 0.00001; gnomAD 0.00001.
gnomAD v4.1: 8 of 1,613,988 alleles (0.0005%); highest among the groups gnomAD compares: Admixed American, 0.0017%; no homozygotes.

Submission:

Labcorp Genetics (formerly Invitae), Labcorp
Classification: Uncertain significance for Epilepsy, childhood absence, susceptibility to, 5; Epilepsy, childhood absence, susceptibility to, 1. Last evaluated: 2024-08-05. Review status: criteria provided, single submitter. Criteria: Invitae Variant Classification Sherloc (09022015). Collection method: clinical testing. Allele origin: germline.
Comment: This sequence change replaces serine, which is neutral and polar, with leucine, which is neutral and non-polar, at codon 220 of the GABRB3 protein (p.Ser220Leu). This variant is present in population databases (rs769693685, gnomAD 0.003%). This variant has not been reported in the literature in individuals affected with GABRB3-related conditions. ClinVar contains an entry for this variant (Variation ID: 2071523). Advanced modeling of protein sequence and biophysical properties (such as structural, functional, and spatial information, amino acid conservation, physicochemical variation, residue mobility, and thermodynamic stability) has been performed at Invitae for this missense variant, however the output from this modeling did not meet the statistical confidence thresholds required to predict the impact of this variant on GABRB3 protein function. In summary, the available evidence is currently insufficient to determine the role of this variant in disease. Therefore, it has been classified as a Variant of Uncertain Significance.

NM_000814.6(GABRB3):c.659C>T (p.Ser220Leu)

Gene: GABRB3 (gamma-aminobutyric acid type A receptor subunit beta3; minus strand). Cytogenetic location: 15q12.
Variant type: single nucleotide variant.
Coding change: c.659C>T on transcript NM_000814.6 (MANE Select); coding-DNA position 659, C replaced by T.
Protein change: p.Ser220Leu; replaces serine 220 with leucine.
Molecular consequence: missense variant.
Genome position (GRCh38, 1-based): chr15:26,580,342, G>A on the plus strand (C>T on the coding strand, the complement: GABRB3 is on the minus strand). VCF-style: chr15-26580342-G-A. GRCh37 (hg19) VCF-style: chr15-26825489-G-A.
Other names: c.404C>T, p.Ser135Leu (NM_001191320.2, NM_001278631.2); c.446C>T, p.Ser149Leu (NM_001191321.3); c.659C>T, p.Ser220Leu (NM_021912.5); short protein forms S220L, S135L, S149L.
Identifiers: ClinVar variation 2071523 (VCV002071523.4), dbSNP rs769693685, ClinGen allele CA7437390.